The following is an entry in ClinVar:

ClinVar aggregate classification (germline): Uncertain significance (1 of 4 stars; one submission).

Submission:

Labcorp Genetics (formerly Invitae), Labcorp
Classification: Uncertain significance. Last evaluated: 2023-01-10. Review status: criteria provided, single submitter. Criteria: Invitae Variant Classification Sherloc (09022015). Collection method: clinical testing. Allele origin: germline.
Comment: This sequence change replaces serine, which is neutral and polar, with proline, which is neutral and non-polar, at codon 126 of the COL18A1 protein (p.Ser126Pro). This variant is not present in population databases (gnomAD no frequency). This variant has not been reported in the literature in individuals affected with COL18A1-related conditions. Experimental studies and prediction algorithms are not available or were not evaluated, and the functional significance of this variant is currently unknown. In summary, the available evidence is currently insufficient to determine the role of this variant in disease. Therefore, it has been classified as a Variant of Uncertain Significance.

NM_001379500.1(COL18A1):c.376T>C (p.Ser126Pro)

Gene: COL18A1 (collagen type XVIII alpha 1 chain; plus strand). Cytogenetic location: 21q22.3.
Variant type: single nucleotide variant.
Coding change: c.376T>C on transcript NM_001379500.1 (MANE Select); coding-DNA position 376, T replaced by C.
Protein change: p.Ser126Pro; replaces serine 126 with proline.
Molecular consequence: missense variant.
Genome position (GRCh38, 1-based): chr21:45,468,511, T>C. VCF-style: chr21-45468511-T-C. GRCh37 (hg19) VCF-style: chr21-46888425-T-C.
Other names: c.916T>C, p.Ser306Pro (NM_030582.4); c.1621T>C, p.Ser541Pro (NM_130444.3); short protein forms S306P, S541P, S126P.
Identifiers: ClinVar variation 2827603 (VCV002827603.3), dbSNP rs2517558571, ClinGen allele CA410511913.